The following is an entry in ClinVar:

NM_001041.4(SI):c.1172A>G (p.Tyr391Cys)

Gene: SI (sucrase-isomaltase; minus strand). Cytogenetic location: 3q26.1.
Variant type: single nucleotide variant.
Coding change: c.1172A>G on transcript NM_001041.4 (MANE Select); coding-DNA position 1172, A replaced by G.
Protein change: p.Tyr391Cys; replaces tyrosine 391 with cysteine.
Molecular consequence: missense variant.
Genome position (GRCh38, 1-based): chr3:165,059,274, T>C on the plus strand (A>G on the coding strand, the complement: SI is on the minus strand). VCF-style: chr3-165059274-T-C. GRCh37 (hg19) VCF-style: chr3-164777062-T-C.
Other names: c.1172A>G (NM_001041.3); short protein forms Y391C.
Identifiers: ClinVar variation 2098820 (VCV002098820.3), dbSNP rs2473407661, ClinGen allele CA355029951.

ClinVar aggregate classification (germline): Uncertain significance. Review status: criteria provided, multiple submitters, no conflicts (2 of 4 stars). 2 submissions from 2 submitters: Uncertain significance (2). Last evaluated 2025-06-03.

Conditions:
Inborn genetic diseases. Identifiers: MedGen C0950123, MeSH D030342.

Submissions (2):

Ambry Genetics
Classification: Uncertain significance for Inborn genetic diseases. Last evaluated: 2025-06-03. Review status: criteria provided, single submitter. Criteria: Ambry Variant Classification Scheme 2023. Collection method: clinical testing. Allele origin: germline.

Labcorp Genetics (formerly Invitae), Labcorp
Classification: Uncertain significance. Last evaluated: 2022-06-14. Review status: criteria provided, single submitter. Criteria: Invitae Variant Classification Sherloc (09022015). Collection method: clinical testing. Allele origin: germline.
Comment: In summary, the available evidence is currently insufficient to determine the role of this variant in disease. Therefore, it has been classified as a Variant of Uncertain Significance. Advanced modeling of protein sequence and biophysical properties (such as structural, functional, and spatial information, amino acid conservation, physicochemical variation, residue mobility, and thermodynamic stability) performed at Invitae indicates that this missense variant is expected to disrupt SI protein function. This variant has not been reported in the literature in individuals affected with SI-related conditions. This variant is not present in population databases (gnomAD no frequency). This sequence change replaces tyrosine, which is neutral and polar, with cysteine, which is neutral and slightly polar, at codon 391 of the SI protein (p.Tyr391Cys).